The following is an entry in ClinVar:

ClinVar aggregate classification (germline): Pathogenic (1 of 4 stars; one submission).

Conditions:
Axenfeld-Rieger syndrome type 3 (RIEG3). Also called: AXENFELD-RIEGER ANOMALY WITH CARDIAC DEFECTS AND/OR SENSORINEURAL HEARING LOSS. Identifiers: Orphanet 782, MedGen C2678503, MONDO:0011233, OMIM 602482.

Submission:

Labcorp Genetics (formerly Invitae), Labcorp
Classification: Pathogenic for Axenfeld-Rieger syndrome type 3. Last evaluated: 2019-02-14. Review status: criteria provided, single submitter. Criteria: Invitae Variant Classification Sherloc (09022015). Collection method: clinical testing. Allele origin: germline.
Comment: This sequence change results in a premature translational stop signal in the FOXC1 gene (p.Cys135*). While this is not anticipated to result in nonsense mediated decay, it is expected to disrupt the last 419 amino acids of the FOXC1 protein. This variant is not present in population databases (ExAC no frequency). This variant has not been reported in the literature in individuals with FOXC1-related conditions. This variant disrupts the C-terminus of the FOXC1 protein. Other variant(s) that disrupt this region (p.Ser320Argfs*81) have been determined to be pathogenic (Invitae). This suggests that variants that disrupt this region of the protein are likely to be causative of disease. For these reasons, this variant has been classified as Pathogenic.

NM_001453.3(FOXC1):c.405C>A (p.Cys135Ter)

Gene: FOXC1 (forkhead box C1; plus strand). Cytogenetic location: 6p25.3.
Variant type: single nucleotide variant.
Coding change: c.405C>A on transcript NM_001453.3 (MANE Select); coding-DNA position 405, C replaced by A.
Protein change: p.Cys135Ter; replaces cysteine 135 with a stop codon.
Molecular consequence: nonsense.
Genome position (GRCh38, 1-based): chr6:1,610,850, C>A. VCF-style: chr6-1610850-C-A. GRCh37 (hg19) VCF-style: chr6-1611085-C-A.
Other names: short protein forms C135*.
Identifiers: ClinVar variation 857470 (VCV000857470.9), dbSNP rs2230096, ClinGen allele CA362558747.